The following is an entry in ClinVar:

NM_152296.5(ATP1A3):c.2924C>T (p.Pro975Leu)

Gene: ATP1A3 (ATPase Na+/K+ transporting subunit alpha 3; minus strand). Cytogenetic location: 19q13.2.
Variant type: single nucleotide variant.
Coding change: c.2924C>T on transcript NM_152296.5 (MANE Select); coding-DNA position 2924, C replaced by T.
Protein change: p.Pro975Leu; replaces proline 975 with leucine.
Molecular consequence: missense variant.
Genome position (GRCh38, 1-based): chr19:41,967,338, G>A on the plus strand (C>T on the coding strand, the complement: ATP1A3 is on the minus strand). VCF-style: chr19-41967338-G-A. GRCh37 (hg19) VCF-style: chr19-42471490-G-A.
Other names: c.2957C>T, p.Pro986Leu (NM_001256213.2); c.2963C>T, p.Pro988Leu (NM_001256214.2); short protein forms P975L, P986L, P988L.
Identifiers: ClinVar variation 2430633 (VCV002430633.3), dbSNP rs2514023814, ClinGen allele CA406035272.

ClinVar aggregate classification (germline): Uncertain significance. Review status: criteria provided, multiple submitters, no conflicts (2 of 4 stars). 3 submissions from 3 submitters: Uncertain significance (3). Last evaluated 2026-06-17.

Allele frequency attached by ClinVar (database versions not stated): gnomAD exomes below 0.00001.
gnomAD v4.1: 5 of 1,607,186 alleles (0.00031%); highest among the groups gnomAD compares: Non-Finnish European, 0.00042%; no homozygotes.

Submissions (3):

Women's Health and Genetics/Laboratory Corporation of America, LabCorp
Classification: Uncertain significance. Last evaluated: 2026-06-17. Review status: criteria provided, single submitter. Criteria: LabCorp Variant Classification Summary - May 2015. Collection method: clinical testing. Allele origin: germline.
Comment: Variant summary: ATP1A3 c.2924C>T (p.Pro975Leu) results in a non-conservative amino acid change in the encoded protein sequence. Algorithms developed to predict the effect of missense changes on protein structure and function are either unavailable or do not agree on the potential impact of this missense change. Consensus agreement among computation tools predict no significant impact on normal splicing. However, these predictions have yet to be confirmed by functional studies. The frequency data for this variant in gnomAD is considered unreliable, as metrics indicate poor data quality at this position. To our knowledge, no occurrence of c.2924C>T in individuals affected with ATP1A3-related conditions and no experimental evidence demonstrating its impact on protein function have been reported. ClinVar contains an entry for this variant (Variation ID: 2430633). Based on the evidence outlined above, the variant was classified as uncertain significance.

Blueprint Genetics
Classification: Uncertain significance. Last evaluated: 2024-06-28. Review status: criteria provided, single submitter. Criteria: ACMG Guidelines, 2015. Collection method: clinical testing. Allele origin: germline.

GeneDx
Classification: Uncertain significance. Last evaluated: 2023-02-03. Review status: criteria provided, single submitter. Criteria: GeneDx Variant Classification Process June 2021. Collection method: clinical testing. Allele origin: germline. Affected: yes.
Comment: Not observed at significant frequency in large population cohorts (gnomAD); In silico analysis supports that this missense variant does not alter protein structure/function; In silico analysis suggests this variant may impact gene splicing. In the absence of RNA/functional studies, the actual effect of this sequence change is unknown.; Has not been previously published as pathogenic or benign to our knowledge